The following is an entry in ClinVar:

NM_000218.3(KCNQ1):c.1514+15131T>C

Genes: KCNQ1 (potassium voltage-gated channel subfamily Q member 1; plus strand), KCNQ1OT1 (KCNQ1 opposite strand/antisense transcript 1; minus strand). Cytogenetic location: 11p15.5.
Variant type: single nucleotide variant.
Coding change: c.1514+15131T>C on transcript NM_000218.3 (MANE Select); 15131 bases into the intron after coding-DNA position 1514, T replaced by C.
Molecular consequence: intron variant. On other transcripts: non-coding transcript variant (1).
Genome position (GRCh38, 1-based): chr11:2,677,212, T>C. VCF-style: chr11-2677212-T-C. GRCh37 (hg19) VCF-style: chr11-2698442-T-C.
Other names: c.1244+15131T>C (NM_001406837.1); c.1418+15131T>C (NM_001406836.1); c.974+15131T>C (NM_001406838.1); c.1133+15131T>C (NM_181798.2).
Identifiers: ClinVar variation 4534512 (VCV004534512.6).

ClinVar aggregate classification (germline): Benign (1 of 4 stars; one submission).

gnomAD v4.1: 288 of 398,638 alleles (0.072%); highest among the groups gnomAD compares: Middle Eastern, 0.31%; no homozygotes.

Submission:

CeGaT Center for Human Genetics Tuebingen
Classification: Benign. Last evaluated: 2026-08-01. Review status: criteria provided, single submitter. Criteria: CeGaT Center For Human Genetics Tuebingen Variant Classification Criteria Version 2. Collection method: clinical testing. Allele origin: germline. Affected: yes. Observed: 4 variant alleles.
Comment: KCNQ1OT1: BS1, BS2